The following is an entry in ClinVar:

ClinVar aggregate classification (germline): Uncertain significance. Review status: criteria provided, multiple submitters, no conflicts (2 of 4 stars). 2 submissions from 2 submitters: Uncertain significance (2). Last evaluated 2021-09-24.

Conditions:
Autosomal recessive polycystic kidney disease (ARPKD). Also called: AR polycystic kidney disease. Identifiers: Orphanet 731, Orphanet 8378, MedGen C0085548, MeSH D017044, MONDO:0009889.

Allele frequency attached by ClinVar (database versions not stated): gnomAD exomes below 0.00001; ExAC 0.00001.
gnomAD v4.1: 2 of 1,613,200 alleles (0.00012%); highest among the groups gnomAD compares: South Asian, 0.0022%; no homozygotes.

Submissions (2):

Labcorp Genetics (formerly Invitae), Labcorp
Classification: Uncertain significance for Autosomal recessive polycystic kidney disease. Last evaluated: 2021-09-24. Review status: criteria provided, single submitter. Criteria: Invitae Variant Classification Sherloc (09022015). Collection method: clinical testing. Allele origin: germline.
Comment: This sequence change replaces alanine with serine at codon 243 of the PKHD1 protein (p.Ala243Ser). The alanine residue is moderately conserved and there is a moderate physicochemical difference between alanine and serine. This variant is present in population databases (rs773601448, ExAC 0.006%). This variant has not been reported in the literature in individuals with PKHD1-related conditions. ClinVar contains an entry for this variant (Variation ID: 598005). Advanced modeling of protein sequence and biophysical properties (such as structural, functional, and spatial information, amino acid conservation, physicochemical variation, residue mobility, and thermodynamic stability) performed at Invitae indicates that this missense variant is not expected to disrupt PKHD1 protein function. In summary, the available evidence is currently insufficient to determine the role of this variant in disease. Therefore, it has been classified as a Variant of Uncertain Significance.

Eurofins Ntd Llc (ga)
Classification: Uncertain significance. Last evaluated: 2018-07-13. Review status: criteria provided, single submitter. Criteria: EGL ClinVar v180209 classification definitions. Collection method: clinical testing. Allele origin: germline. Observed: 1 variant allele, 1 heterozygote.

NM_138694.4(PKHD1):c.727G>T (p.Ala243Ser)

Gene: PKHD1 (PKHD1 ciliary IPT domain containing fibrocystin/polyductin; minus strand). Cytogenetic location: 6p12.2.
Variant type: single nucleotide variant.
Coding change: c.727G>T on transcript NM_138694.4 (MANE Select); coding-DNA position 727, G replaced by T.
Protein change: p.Ala243Ser; replaces alanine 243 with serine.
Molecular consequence: missense variant.
Genome position (GRCh38, 1-based): chr6:52,069,508, C>A on the plus strand (G>T on the coding strand, the complement: PKHD1 is on the minus strand). VCF-style: chr6-52069508-C-A. GRCh37 (hg19) VCF-style: chr6-51934306-C-A.
Other names: c.727G>T, p.Ala243Ser (NM_170724.3); short protein forms A243S.
Identifiers: ClinVar variation 598005 (VCV000598005.9), dbSNP rs773601448, ClinGen allele CA3853790.